The following is an entry in ClinVar:

ClinVar aggregate classification (germline): Uncertain significance (1 of 4 stars; one submission).

Conditions:
POLD1-related polyposis and colorectal cancer syndrome (CRCS10). Also called: Colorectal cancer 10; COLORECTAL CANCER, SUSCEPTIBILITY TO, ON CHROMOSOME 19q; Colorectal cancer, susceptibility to, 10. Identifiers: Orphanet 220460, MedGen C2675481, MONDO:0012953, OMIM 612591.

Allele frequency attached by ClinVar (database versions not stated): ExAC 0.00001; gnomAD 0.00001.

Submission:

Labcorp Genetics (formerly Invitae), Labcorp
Classification: Uncertain significance for POLD1-related polyposis and colorectal cancer syndrome. Last evaluated: 2025-07-02. Review status: criteria provided, single submitter. Criteria: Invitae Variant Classification Sherloc (09022015). Collection method: clinical testing. Allele origin: germline.
Comment: This sequence change falls in intron 4 of the POLD1 gene. It does not directly change the encoded amino acid sequence of the POLD1 protein. It affects a nucleotide within the consensus splice site. This variant is present in population databases (rs759315897, gnomAD 0.007%). This variant has not been reported in the literature in individuals affected with POLD1-related conditions. ClinVar contains an entry for this variant (Variation ID: 1976091). Variants that disrupt the consensus splice site are a relatively common cause of aberrant splicing (PMID: 17576681, 9536098). Algorithms developed to predict the effect of sequence changes on RNA splicing suggest that this variant is not likely to affect RNA splicing. In summary, the available evidence is currently insufficient to determine the role of this variant in disease. Therefore, it has been classified as a Variant of Uncertain Significance.

Literature cited by the submitters: PubMed 17576681; PubMed 9536098.

NM_002691.4(POLD1):c.463+6T>C

Gene: POLD1 (DNA polymerase delta 1, catalytic subunit; plus strand). Cytogenetic location: 19q13.33.
Variant type: single nucleotide variant.
Coding change: c.463+6T>C on transcript NM_002691.4 (MANE Select); 6 bases into the intron after coding-DNA position 463, T replaced by C.
Molecular consequence: intron variant.
Genome position (GRCh38, 1-based): chr19:50,401,930, T>C. VCF-style: chr19-50401930-T-C. GRCh37 (hg19) VCF-style: chr19-50905187-T-C.
Other names: c.463+6T>C (NM_001256849.1, NM_001308632.1).
Identifiers: ClinVar variation 1976091 (VCV001976091.5), dbSNP rs759315897, ClinGen allele CA9595736.